The following is an entry in ClinVar:

ClinVar aggregate classification (germline): Pathogenic (1 of 4 stars; one submission).

Conditions:
Hereditary cancer-predisposing syndrome. Also called: Neoplastic Syndromes, Hereditary; Tumor predisposition; Hereditary Cancer Syndrome; Hereditary neoplastic syndrome. Identifiers: Orphanet 140162, MedGen C0027672, MeSH D009386, MONDO:0015356.

Submission:

Ambry Genetics
Classification: Pathogenic for Hereditary cancer-predisposing syndrome. Last evaluated: 2026-03-19. Review status: criteria provided, single submitter. Criteria: Ambry Variant Classification Scheme 2023. Collection method: clinical testing. Allele origin: germline.
Comment: The c.5845_5849delGATGT pathogenic mutation, located in coding exon 10 of the BRCA2 gene, results from a deletion of 5 nucleotides at nucleotide positions 5845 to 5849, causing a translational frameshift with a predicted alternate stop codon (p.D1949*). This variant is considered to be rare based on population cohorts in the Genome Aggregation Database (gnomAD). This alteration is expected to result in loss of function by premature protein truncation or nonsense-mediated mRNA decay. As such, this alteration is interpreted as a disease-causing mutation.

NM_000059.4(BRCA2):c.5845_5849del (p.Cys1948_Asp1949insTer)

Gene: BRCA2 (BRCA2 DNA repair associated; plus strand). Cytogenetic location: 13q13.1.
Variant type: Deletion.
Coding change: c.5845_5849del on transcript NM_000059.4 (MANE Select); coding-DNA positions 5845 to 5849, 5 bases deleted (GATGT; older notation c.5845_5849delGATGT).
Protein change: p.Cys1948_Asp1949insTer.
Molecular consequence: nonsense. On other transcripts: non-coding transcript variant (1), intron variant (2).
Genome position (GRCh38, 1-based): chr13:32,340,200-32,340,204, GATGT deleted; deleting any 5 consecutive bases within chr13:32,340,197-32,340,204 gives the same sequence; the c. name uses the placement nearest the transcript's 3' end. VCF-style (leftmost placement, unchanged base first): chr13-32340196-TTGTGA-T. GRCh37 (hg19) VCF-style: chr13-32914333-TTGTGA-T.
Other names: c.5845_5849del, p.Cys1948_Asp1949insTer (NM_001406720.1, NM_001432077.1, NM_001406719.1); c.1910-4358_1910-4354del (NM_001406721.1); c.425-4358_425-4354del (NM_001406722.1).
Identifiers: ClinVar variation 4867776 (VCV004867776.1).